The following is an entry in ClinVar:

NM_001379286.1(ZNF423):c.315C>A (p.Asp105Glu)

Gene: ZNF423 (zinc finger protein 423; minus strand). Cytogenetic location: 16q12.1.
Variant type: single nucleotide variant.
Coding change: c.315C>A on transcript NM_001379286.1 (MANE Select); coding-DNA position 315, C replaced by A.
Protein change: p.Asp105Glu; replaces aspartic acid 105 with glutamic acid.
Molecular consequence: missense variant. On other transcripts: 5 prime UTR variant (1).
Genome position (GRCh38, 1-based): chr16:49,638,861, G>T on the plus strand (C>A on the coding strand, the complement: ZNF423 is on the minus strand). VCF-style: chr16-49638861-G-T. GRCh37 (hg19) VCF-style: chr16-49672772-G-T.
Other names: c.111C>A, p.Asp37Glu (NM_001271620.2); c.-61C>A (NM_001330533.2); c.291C>A, p.Asp97Glu (NM_015069.5); c.291C>A (NM_015069.2); short protein forms D37E, D97E, D105E.
Identifiers: ClinVar variation 946275 (VCV000946275.8), dbSNP rs201546282, ClinGen allele CA8046894.

ClinVar aggregate classification (germline): Uncertain significance. Review status: criteria provided, multiple submitters, no conflicts (2 of 4 stars). 2 submissions from 2 submitters: Uncertain significance (2). Last evaluated 2024-11-15.

Conditions:
Nephronophthisis 14 (NPHP14). Identifiers: Orphanet 2318, MedGen C3539071, MONDO:0013916, OMIM 614844.

Allele frequency attached by ClinVar (database versions not stated): ExAC 0.00003; gnomAD 0.00004; gnomAD exomes 0.00005 and 0.00012; TOPMed 0.00009; 1000 Genomes Project 30x 0.00016; 1000 Genomes Project 0.00020.
gnomAD v4.1: 181 of 1,606,056 alleles (0.011%); highest among the groups gnomAD compares: Non-Finnish European, 0.015%; no homozygotes.

Submissions (2):

Ambry Genetics
Classification: Uncertain significance. Last evaluated: 2024-11-15. Review status: criteria provided, single submitter. Criteria: Ambry Variant Classification Scheme 2023. Collection method: clinical testing. Allele origin: germline.

Labcorp Genetics (formerly Invitae), Labcorp
Classification: Uncertain significance for Nephronophthisis 14. Last evaluated: 2022-07-18. Review status: criteria provided, single submitter. Criteria: Invitae Variant Classification Sherloc (09022015). Collection method: clinical testing. Allele origin: germline.
Comment: This sequence change replaces aspartic acid, which is acidic and polar, with glutamic acid, which is acidic and polar, at codon 97 of the ZNF423 protein (p.Asp97Glu). This variant is present in population databases (rs201546282, gnomAD 0.01%). This variant has not been reported in the literature in individuals affected with ZNF423-related conditions. ClinVar contains an entry for this variant (Variation ID: 946275). Algorithms developed to predict the effect of missense changes on protein structure and function are either unavailable or do not agree on the potential impact of this missense change (SIFT: "Tolerated"; PolyPhen-2: "Possibly Damaging"; Align-GVGD: "Class C0"). In summary, the available evidence is currently insufficient to determine the role of this variant in disease. Therefore, it has been classified as a Variant of Uncertain Significance.